The following is an entry in ClinVar:

ClinVar aggregate classification (germline): Uncertain significance. Review status: criteria provided, multiple submitters, no conflicts (2 of 4 stars). 5 submissions from 5 submitters: Uncertain significance (4). 1 of the submissions does not count toward it. Last evaluated 2024-08-20.

Conditions:
Retinal dystrophy and obesity (RDOB). Identifiers: Orphanet 791, MedGen C4015424, MONDO:0014522, OMIM 616188.
TUB-related disorder. Also called: TUB-related condition.

Allele frequency attached by ClinVar (database versions not stated): gnomAD exomes 0.00001 and 0.00004; ExAC 0.00003; gnomAD 0.00005; TOPMed 0.00007; 1000 Genomes Project 30x 0.00016; 1000 Genomes Project 0.00020.
gnomAD v4.1: 40 of 1,613,612 alleles (0.0025%); highest among the groups gnomAD compares: East Asian, 0.02%; no homozygotes.

Submissions (5):

Blueprint Genetics
Classification: Uncertain significance. Last evaluated: 2024-08-20. Review status: criteria provided, single submitter. Criteria: ACMG Guidelines, 2015. Collection method: clinical testing. Allele origin: germline.

Ambry Genetics
Classification: Uncertain significance. Last evaluated: 2023-11-21. Review status: criteria provided, single submitter. Criteria: Ambry Variant Classification Scheme 2023. Collection method: clinical testing. Allele origin: germline.

Labcorp Genetics (formerly Invitae), Labcorp
Classification: Uncertain significance. Last evaluated: 2022-10-17. Review status: criteria provided, single submitter. Criteria: Invitae Variant Classification Sherloc (09022015). Collection method: clinical testing. Allele origin: germline.
Comment: This sequence change replaces arginine, which is basic and polar, with glutamine, which is neutral and polar, at codon 110 of the TUB protein (p.Arg110Gln). This variant is present in population databases (rs371844684, gnomAD 0.03%). This variant has not been reported in the literature in individuals affected with TUB-related conditions. ClinVar contains an entry for this variant (Variation ID: 836922). Algorithms developed to predict the effect of missense changes on protein structure and function are either unavailable or do not agree on the potential impact of this missense change (SIFT: "Deleterious"; PolyPhen-2: "Probably Damaging"; Align-GVGD: "Class C0"). In summary, the available evidence is currently insufficient to determine the role of this variant in disease. Therefore, it has been classified as a Variant of Uncertain Significance.

New York Genome Center
Classification: Uncertain significance for Retinal dystrophy and obesity. Last evaluated: 2021-10-05. Review status: criteria provided, single submitter. Criteria: NYGC Assertion Criteria 2020. Collection method: clinical testing. Allele origin: germline. Observed: 1 heterozygote.

PreventionGenetics, part of Exact Sciences
Classification: Uncertain significance for TUB-related condition. Last evaluated: 2023-12-19. Review status: no assertion criteria provided. Collection method: clinical testing. Allele origin: germline. Not counted in ClinVar's aggregate classification.
Comment: The TUB c.329G>A variant is predicted to result in the amino acid substitution p.Arg110Gln. To our knowledge, this variant has not been reported in the literature. This variant is reported in 0.030% of alleles in individuals of East Asian descent in gnomAD. At this time, the clinical significance of this variant is uncertain due to the absence of conclusive functional and genetic evidence.

NM_177972.3(TUB):c.164G>A (p.Arg55Gln)

Gene: TUB (TUB bipartite transcription factor; plus strand). Cytogenetic location: 11p15.4.
Variant type: single nucleotide variant.
Coding change: c.164G>A on transcript NM_177972.3 (MANE Select); coding-DNA position 164, G replaced by A.
Protein change: p.Arg55Gln; replaces arginine 55 with glutamine.
Molecular consequence: missense variant.
Genome position (GRCh38, 1-based): chr11:8,090,142, G>A. VCF-style: chr11-8090142-G-A. GRCh37 (hg19) VCF-style: chr11-8111689-G-A.
Other names: c.329G>A, p.Arg110Gln (NM_003320.5); short protein forms R110Q, R55Q.
Identifiers: ClinVar variation 836922 (VCV000836922.10), dbSNP rs371844684, ClinGen allele CA5870978.